The following is an entry in ClinVar:

NM_002691.4(POLD1):c.1893-6A>G

Gene: POLD1 (DNA polymerase delta 1, catalytic subunit; plus strand). Cytogenetic location: 19q13.33.
Variant type: single nucleotide variant.
Coding change: c.1893-6A>G on transcript NM_002691.4 (MANE Select); 6 bases into the intron before coding-DNA position 1893, A replaced by G.
Molecular consequence: intron variant.
Genome position (GRCh38, 1-based): chr19:50,409,116, A>G. VCF-style: chr19-50409116-A-G. GRCh37 (hg19) VCF-style: chr19-50912373-A-G.
Other names: c.1971-6A>G (LRG_785t2, NM_001308632.1); c.1893-6A>G (LRG_785t1, NM_001256849.1).
Identifiers: ClinVar variation 420425 (VCV000420425.7), dbSNP rs963949260, ClinGen allele CA16620892.
Genomic context (GRCh38, chr19:50,409,116, plus strand): 5'-CCGTAGGGCAGAGGTGGGCTGGAGCAGGAGGGTGGCCGGCAGTCACCCCAACATCTTCCA[A>G]CCCAGCCTGACTGAGGATCAGTTCATCAGGACCCCCACCGGGGACGAGTTTGTGAAGACC-3'

ClinVar aggregate classification (germline): Uncertain significance. Review status: criteria provided, multiple submitters, no conflicts (2 of 4 stars). 2 submissions from 2 submitters: Uncertain significance (2). Last evaluated 2021-10-02.

Conditions:
POLD1-related polyposis and colorectal cancer syndrome (CRCS10). Also called: Colorectal cancer 10; COLORECTAL CANCER, SUSCEPTIBILITY TO, ON CHROMOSOME 19q; Colorectal cancer, susceptibility to, 10. Identifiers: Orphanet 220460, MedGen C2675481, MONDO:0012953, OMIM 612591.

gnomAD v4.1: 1 of 1,600,658 alleles (0.000062%); highest among the groups gnomAD compares: South Asian, 0.0011%; no homozygotes.

Submissions (2):

Labcorp Genetics (formerly Invitae), Labcorp
Classification: Uncertain significance for POLD1-related polyposis and colorectal cancer syndrome. Last evaluated: 2021-10-02. Review status: criteria provided, single submitter. Criteria: Invitae Variant Classification Sherloc (09022015). Collection method: clinical testing. Allele origin: germline.
Comment: In summary, the available evidence is currently insufficient to determine the role of this variant in disease. Therefore, it has been classified as a Variant of Uncertain Significance. Algorithms developed to predict the effect of sequence changes on RNA splicing suggest that this variant may disrupt the consensus splice site. ClinVar contains an entry for this variant (Variation ID: 420425). This variant has not been reported in the literature in individuals affected with POLD1-related conditions. This variant is not present in population databases (ExAC no frequency). This sequence change falls in intron 15 of the POLD1 gene. It does not directly change the encoded amino acid sequence of the POLD1 protein.

GeneDx
Classification: Uncertain significance. Last evaluated: 2016-11-01. Review status: criteria provided, single submitter. Criteria: GeneDx Variant Classification (06012015). Collection method: clinical testing. Allele origin: germline. Affected: yes.
Comment: This variant is denoted POLD1 c.1893-6A>G or IVS15-6A>G and consists of an A>G nucleotide substitution at the -6 position of intron 15 of the POLD1 gene. Multiple in silico models predict this variant to destroy the nearby natural splice acceptor site or create a cryptic splice site and to possibly cause abnormal gene splicing. However, in the absence of RNA or functional studies, the actual effect of this variant is unknown. This variant has not, to our knowledge, been published in the literature as pathogenic or benign. POLD1 c.1893-6A>G was not observed in approximately 6,500 individuals of European and African American ancestry in the NHLBI Exome Sequencing Project, suggesting it is not a common benign variant in these populations. The adenine (A) nucleotide that is altered is not conserved across species. Based on currently available evidence, it is unclear whether POLD1 c.1893-6A>G is a pathogenic or benign variant. We consider it to be a variant of uncertain significance.